The following is an entry in ClinVar:

ClinVar aggregate classification (germline): Pathogenic (1 of 4 stars; one submission).

Conditions:
Neurofibromatosis, type 1 (NF1). Also called: VON RECKLINGHAUSEN DISEASE; Neurofibromatosis, type I; NEUROFIBROMATOSIS, TYPE I, SOMATIC; Peripheral type neurofibromatosis. Identifiers: Orphanet 636, MedGen C0027831, MONDO:0018975, OMIM 162200. Disease mechanism: loss of function.

Submission:

Labcorp Genetics (formerly Invitae), Labcorp
Classification: Pathogenic for Neurofibromatosis, type 1. Last evaluated: 2023-09-25. Review status: criteria provided, single submitter. Criteria: Invitae Variant Classification Sherloc (09022015). Collection method: clinical testing. Allele origin: germline.
Comment: This sequence change creates a premature translational stop signal (p.Asn39Thrfs*5) in the NF1 gene. It is expected to result in an absent or disrupted protein product. Loss-of-function variants in NF1 are known to be pathogenic (PMID: 10712197, 23913538). This variant is not present in population databases (gnomAD no frequency). This variant has not been reported in the literature in individuals affected with NF1-related conditions. For these reasons, this variant has been classified as Pathogenic.

Literature cited by the submitters: PubMed 10712197; PubMed 23913538.

NM_001042492.3(NF1):c.116del (p.Asn39fs)

Gene: NF1 (neurofibromin 1; plus strand). Cytogenetic location: 17q11.2.
Variant type: Deletion.
Coding change: c.116del on transcript NM_001042492.3 (MANE Select); coding-DNA position 116, one base deleted (A; older notation c.116delA).
Protein change: p.Asn39fs; shifts the reading frame from asparagine 39.
Molecular consequence: frameshift variant.
Genome position (GRCh38, 1-based): chr17:31,156,038, A deleted; the last of 2 consecutive A bases (chr17:31,156,037-31,156,038); deleting either gives the same sequence. VCF-style (leftmost placement, unchanged base first): chr17-31156036-CA-C. GRCh37 (hg19) VCF-style: chr17-29483054-CA-C.
Other names: c.116delA, p.Asn39Thrfs (NM_000267.4); c.116del, p.Asn39fs (NM_001128147.3); short protein forms N39fs.
Identifiers: ClinVar variation 2763212 (VCV002763212.3), dbSNP rs2544681155, ClinGen allele CA2697559524.
Genomic context (GRCh38, chr17:31,156,036, plus strand): 5'-TTTTCAGCTTCCAATAAAAACAGGACAGCAGAACACACATACCAAAGTCAGTACTGAGCA[CA>C]ACAAGGAATGTCTAATCAATATTTCCAAATACAAGTTTTCTTTGGTTATAAGCGGCCTCA-3'